The following is an entry in ClinVar:

NM_001384140.1(PCDH15):c.3673A>G (p.Thr1225Ala)

Gene: PCDH15 (protocadherin related 15; minus strand). Cytogenetic location: 10q21.1.
Variant type: single nucleotide variant.
Coding change: c.3673A>G on transcript NM_001384140.1 (MANE Select); coding-DNA position 3673, A replaced by G.
Protein change: p.Thr1225Ala; replaces threonine 1225 with alanine.
Molecular consequence: missense variant.
Genome position (GRCh38, 1-based): chr10:53,866,686, T>C on the plus strand (A>G on the coding strand, the complement: PCDH15 is on the minus strand). VCF-style: chr10-53866686-T-C. GRCh37 (hg19) VCF-style: chr10-55626446-T-C.
Other names: c.3709A>G, p.Thr1237Ala (NM_001142769.4); c.3673A>G, p.Thr1225Ala (NM_001142770.3, NM_001142772.2, NM_001354420.2 and 4 more transcripts); c.3688A>G, p.Thr1230Ala (NM_001142771.2, NM_001142763.2); c.3607A>G, p.Thr1203Ala (NM_001142773.2, NM_001354404.2, NM_001142768.2); c.3694A>G, p.Thr1232Ala (NM_001354411.2); c.3460A>G, p.Thr1154Ala (NM_001142765.2); c.3562A>G, p.Thr1188Ala (NM_001142767.2); short protein forms T1230A, T1154A, T1188A, T1232A, T1237A, T1203A, T1225A.
Identifiers: ClinVar variation 966290 (VCV000966290.9), dbSNP rs61731381, ClinGen allele CA5505596.

ClinVar aggregate classification (germline): Conflicting classifications of pathogenicity. Review status: criteria provided, conflicting classifications (1 of 4 stars). 4 submissions from 4 submitters: Uncertain significance (2); Likely benign (1). 1 of the submissions does not count toward it. Last evaluated 2026-01-16.

Conditions:
Usher syndrome type 1F (USH1F). Also called: USHER SYNDROME, TYPE IF. Identifiers: Orphanet 231169, Orphanet 886, MedGen C1865885, MONDO:0011186, OMIM 602083.
Inborn genetic diseases. Identifiers: MedGen C0950123, MeSH D030342.

Allele frequency attached by ClinVar (database versions not stated): gnomAD exomes 0.00002 and 0.00004; ExAC 0.00003; ESP Exome Variant Server 0.00008; gnomAD 0.00014; TOPMed 0.00020.
gnomAD v4.1: 48 of 1,613,552 alleles (0.003%); highest among the groups gnomAD compares: African/African-American, 0.06%; no homozygotes.

Submissions (4):

Labcorp Genetics (formerly Invitae), Labcorp
Classification: Likely benign. Last evaluated: 2026-01-16. Review status: criteria provided, single submitter. Criteria: Invitae Variant Classification Sherloc (09022015). Collection method: clinical testing. Allele origin: germline.

GeneDx
Classification: Uncertain significance. Last evaluated: 2022-02-24. Review status: criteria provided, single submitter. Criteria: GeneDx Variant Classification Process June 2021. Collection method: clinical testing. Allele origin: germline. Affected: yes.
Comment: In silico analysis supports that this missense variant has a deleterious effect on protein structure/function; Has not been previously published as pathogenic or benign to our knowledge

Ambry Genetics
Classification: Uncertain significance for Inborn genetic diseases. Last evaluated: 2021-08-09. Review status: criteria provided, single submitter. Criteria: Ambry Variant Classification Scheme 2023. Collection method: clinical testing. Allele origin: germline.

Natera, Inc.
Classification: Uncertain significance for Usher syndrome type 1F. Last evaluated: 2020-03-18. Review status: no assertion criteria provided. Collection method: clinical testing. Allele origin: germline. Not counted in ClinVar's aggregate classification.